The following is an entry in ClinVar:

NM_013382.7(POMT2):c.971C>T (p.Ser324Leu)

Gene: POMT2 (protein O-mannosyltransferase 2; minus strand). Cytogenetic location: 14q24.3.
Variant type: single nucleotide variant.
Coding change: c.971C>T on transcript NM_013382.7 (MANE Select); coding-DNA position 971, C replaced by T.
Protein change: p.Ser324Leu; replaces serine 324 with leucine.
Molecular consequence: missense variant.
Genome position (GRCh38, 1-based): chr14:77,298,724, G>A on the plus strand (C>T on the coding strand, the complement: POMT2 is on the minus strand). VCF-style: chr14-77298724-G-A. GRCh37 (hg19) VCF-style: chr14-77765067-G-A.
Other names: short protein forms S324L.
Identifiers: ClinVar variation 2435209 (VCV002435209.6), dbSNP rs1391641457, ClinGen allele CA390519733.

ClinVar aggregate classification (germline): Uncertain significance. Review status: criteria provided, multiple submitters, no conflicts (2 of 4 stars). 3 submissions from 3 submitters: Uncertain significance (3). Last evaluated 2025-09-02.

Conditions:
Autosomal recessive limb-girdle muscular dystrophy type 2N. Also called: MUSCULAR DYSTROPHY-DYSTROGLYCANOPATHY, LIMB-GIRDLE, POMT2-RELATED; Muscular dystrophy-dystroglycanopathy (limb-girdle), type C, 2. Identifiers: Orphanet 206559, MedGen C3150418, MONDO:0013162, OMIM 613158.
Muscular dystrophy-dystroglycanopathy (congenital with brain and eye anomalies), type A2. Also called: MUSCULAR DYSTROPHY-DYSTROGLYCANOPATHY (CONGENITAL WITH BRAIN AND EYE ANOMALIES), TYPE A, 2; WALKER-WARBURG SYNDROME OR MUSCLE-EYE-BRAIN DISEASE, POMT2-RELATED. Identifiers: Orphanet 588, Orphanet 899, MedGen C3150411, MONDO:0013154, OMIM 613150.
Muscular dystrophy-dystroglycanopathy (congenital with impaired intellectual development), type B, 2. Also called: Muscular dystrophy-dystroglycanopathy (congenital with intellectual disability), type B2; MUSCULAR DYSTROPHY, CONGENITAL, POMT2-RELATED. Identifiers: MedGen C3150416, MONDO:0013160, OMIM 613156.
Inborn genetic diseases. Identifiers: MedGen C0950123, MeSH D030342.

Allele frequency attached by ClinVar (database versions not stated): TOPMed below 0.00001.
gnomAD v4.1: 1 of 1,613,786 alleles (0.000062%); highest among the groups gnomAD compares: South Asian, 0.0011%; no homozygotes.

Submissions (3):

Ambry Genetics
Classification: Uncertain significance for Inborn genetic diseases. Last evaluated: 2025-09-02. Review status: criteria provided, single submitter. Criteria: Ambry Variant Classification Scheme 2023. Collection method: clinical testing. Allele origin: germline.

Labcorp Genetics (formerly Invitae), Labcorp
Classification: Uncertain significance for Muscular dystrophy-dystroglycanopathy (congenital with impaired intellectual development), type B, 2; Muscular dystrophy-dystroglycanopathy (congenital with brain and eye anomalies), type A2; Autosomal recessive limb-girdle muscular dystrophy type 2N. Last evaluated: 2024-10-27. Review status: criteria provided, single submitter. Criteria: Invitae Variant Classification Sherloc (09022015). Collection method: clinical testing. Allele origin: germline.
Comment: This sequence change replaces serine, which is neutral and polar, with leucine, which is neutral and non-polar, at codon 324 of the POMT2 protein (p.Ser324Leu). This variant is present in population databases (no rsID available, gnomAD 0.003%). This variant has not been reported in the literature in individuals affected with POMT2-related conditions. ClinVar contains an entry for this variant (Variation ID: 2435209). Invitae Evidence Modeling of protein sequence and biophysical properties (such as structural, functional, and spatial information, amino acid conservation, physicochemical variation, residue mobility, and thermodynamic stability) indicates that this missense variant is not expected to disrupt POMT2 protein function with a negative predictive value of 95%. In summary, the available evidence is currently insufficient to determine the role of this variant in disease. Therefore, it has been classified as a Variant of Uncertain Significance.

Revvity Omics, Revvity
Classification: Uncertain significance. Last evaluated: 2022-12-08. Review status: criteria provided, single submitter. Criteria: ACMG Guidelines, 2015. Collection method: clinical testing. Allele origin: germline.